The following is an entry in ClinVar:

ClinVar aggregate classification (germline): Pathogenic/Likely pathogenic. Review status: criteria provided, multiple submitters, no conflicts (2 of 4 stars). 4 submissions from 3 submitters: Pathogenic (1); Likely pathogenic (3). Last evaluated 2024-01-01.

Conditions:
Growth delay due to insulin-like growth factor I resistance. Also called: IGF-I RESISTANCE; Somatomedin end-organ insensitivity to; Somatomedin-c resistance to; IGF-1 resistance; Insulin-Like Growth Factor I Resistance. Identifiers: Orphanet 73273, MedGen C1849157, MONDO:0010038, OMIM 270450.
Intellectual disability. Also called: Intellectual developmental disorder; Intellectual functioning disability; intellectual disabilities. Identifiers: MedGen C3714756, MeSH D008607, MONDO:0001071, HP:0001249.

gnomAD v4.1: 2 of 1,614,136 alleles (0.00012%); highest among the groups gnomAD compares: Non-Finnish European, 0.00017%; no homozygotes.

Submissions (4):

CeGaT Center for Human Genetics Tuebingen
Classification: Pathogenic. Last evaluated: 2024-01-01. Review status: criteria provided, single submitter. Criteria: CeGaT Center For Human Genetics Tuebingen Variant Classification Criteria Version 2. Collection method: clinical testing. Allele origin: germline. Affected: yes. Observed: 1 variant allele.
Comment: IGF1R: PVS1, PM2

Institute of Human Genetics, University of Leipzig Medical Center
Classification: Likely pathogenic for Intellectual disability. Last evaluated: 2020-08-03. Review status: criteria provided, single submitter. Criteria: ACMG Guidelines, 2015. Collection method: clinical testing. Allele origin: unknown. Affected: yes.
Comment: Inheritance for this variant was unknown. The variant likely explains the NDD in this individual.

Institute of Human Genetics, University of Leipzig Medical Center
Classification: Likely pathogenic for Growth delay due to insulin-like growth factor I resistance. Last evaluated: 2019-01-01. Review status: criteria provided, single submitter. Criteria: ACMG Guidelines, 2015. Collection method: clinical testing. Allele origin: unknown. Affected: yes.
Comment: This variant was identified as compound heterozygous.

Juno Genomics, Hangzhou Juno Genomics, Inc
Classification: Likely pathogenic for Growth delay due to insulin-like growth factor I resistance. Review status: criteria provided, single submitter. Criteria: ACMG Guidelines, 2015. Collection method: clinical testing. Allele origin: germline.
Comment: Absent from controls (or at extremely low frequency if recessive) in Genome Aggregation Database.;Null variant in a gene where loss of function (LOF) is a known mechanism of disease.

NM_000875.5(IGF1R):c.2257C>T (p.Arg753Ter)

Gene: IGF1R (insulin like growth factor 1 receptor; plus strand). Cytogenetic location: 15q26.3.
Variant type: single nucleotide variant.
Coding change: c.2257C>T on transcript NM_000875.5 (MANE Select); coding-DNA position 2257, C replaced by T.
Protein change: p.Arg753Ter; replaces arginine 753 with a stop codon.
Molecular consequence: nonsense.
Genome position (GRCh38, 1-based): chr15:98,922,203, C>T. VCF-style: chr15-98922203-C-T. GRCh37 (hg19) VCF-style: chr15-99465432-C-T.
Other names: c.2257C>T, p.Arg753Ter (NM_001291858.2); short protein forms R753*.
Identifiers: ClinVar variation 977609 (VCV000977609.25), dbSNP rs1173681603, ClinGen allele CA393680679.
Genomic context (GRCh38, chr15:98,922,203, plus strand): 5'-TGCAGACCTGAAAGGAAGCGGAGAGATGTCATGCAAGTGGCCAACACCACCATGTCCAGC[C>T]GAAGCAGGAACACCACGGCCGCAGACACCTACAACATCACCGACCCGGAAGAGCTGGAGA-3'